The following is an entry in ClinVar:

ClinVar aggregate classification (germline): Uncertain significance. Review status: criteria provided, multiple submitters, no conflicts (2 of 4 stars). 2 submissions from 2 submitters: Uncertain significance (2). Last evaluated 2026-01-20.

Conditions:
Hereditary cancer-predisposing syndrome. Also called: Neoplastic Syndromes, Hereditary; Tumor predisposition; Hereditary Cancer Syndrome; Hereditary neoplastic syndrome. Identifiers: Orphanet 140162, MedGen C0027672, MeSH D009386, MONDO:0015356.
Neurofibromatosis, type 2 (SWNV). Also called: BILATERAL ACOUSTIC NEUROFIBROMATOSIS; SCHWANNOMATOSIS, VESTIBULAR; NF2-Related Schwannomatosis. Identifiers: Orphanet 637, MedGen C0027832, MONDO:0007039, OMIM 101000. Disease mechanism: loss of function.

Submissions (2):

Ambry Genetics
Classification: Uncertain significance for Hereditary cancer-predisposing syndrome. Last evaluated: 2026-01-20. Review status: criteria provided, single submitter. Criteria: Ambry Variant Classification Scheme 2023. Collection method: clinical testing. Allele origin: germline.
Comment: The p.W191C variant (also known as c.573G>T), located in coding exon 6 of the NF2 gene, results from a G to T substitution at nucleotide position 573. The tryptophan at codon 191 is replaced by cysteine, an amino acid with highly dissimilar properties. This amino acid position is conserved. In addition, the in silico prediction for this alteration is inconclusive. Based on the available evidence, the clinical significance of this variant remains unclear.

Labcorp Genetics (formerly Invitae), Labcorp
Classification: Uncertain significance for Neurofibromatosis, type 2. Last evaluated: 2024-11-20. Review status: criteria provided, single submitter. Criteria: Invitae Variant Classification Sherloc (09022015). Collection method: clinical testing. Allele origin: germline.
Comment: This sequence change replaces tryptophan, which is neutral and slightly polar, with cysteine, which is neutral and slightly polar, at codon 191 of the NF2 protein (p.Trp191Cys). This variant is not present in population databases (gnomAD no frequency). This variant has not been reported in the literature in individuals affected with NF2-related conditions. Invitae Evidence Modeling of protein sequence and biophysical properties (such as structural, functional, and spatial information, amino acid conservation, physicochemical variation, residue mobility, and thermodynamic stability) indicates that this missense variant is not expected to disrupt NF2 protein function with a negative predictive value of 80%. In summary, the available evidence is currently insufficient to determine the role of this variant in disease. Therefore, it has been classified as a Variant of Uncertain Significance.

NM_000268.4(NF2):c.573G>T (p.Trp191Cys)

Gene: NF2 (NF2, moesin-ezrin-radixin like (MERLIN) tumor suppressor; plus strand). Cytogenetic location: 22q12.2.
Variant type: single nucleotide variant.
Coding change: c.573G>T on transcript NM_000268.4 (MANE Select); coding-DNA position 573, G replaced by T.
Protein change: p.Trp191Cys; replaces tryptophan 191 with cysteine.
Molecular consequence: missense variant. On other transcripts: intron variant (1).
Genome position (GRCh38, 1-based): chr22:29,655,650, G>T. VCF-style: chr22-29655650-G-T. GRCh37 (hg19) VCF-style: chr22-30051639-G-T.
Other names: c.459G>T, p.Trp153Cys (NM_001407053.1, NM_001407056.1); c.450G>T, p.Trp150Cys (NM_001407054.1, NM_001407058.1, NM_001407062.1 and 1 more transcripts); c.447G>T, p.Trp149Cys (NM_001407055.1, NM_181828.3); c.573G>T, p.Trp191Cys (NM_001407057.1, NM_001407059.1, NM_001407060.1 and 4 more transcripts); c.324G>T, p.Trp108Cys (NM_001407063.1, NM_001407064.1, NM_181830.3 and 1 more transcripts); c.39G>T, p.Trp13Cys (NM_001407065.1); c.342G>T, p.Trp114Cys (NM_001407067.1); c.447+13365G>T (NM_181833.3); short protein forms W149C, W191C, W108C, W150C, W153C, W114C, W13C.
Identifiers: ClinVar variation 3666158 (VCV003666158.3).
Genomic context (GRCh38, chr22:29,655,650, plus strand): 5'-GTAGGTAATAAATCTGTATCAGATGACTCCGGAAATGTGGGAGGAGAGAATTACTGCTTG[G>T]TACGCAGAGCACCGAGGCCGAGCCAGGTGAGGCCCATTCATTGTTGGTTTACATTCCTTT-3'
Protein context (NP_000259.1, residues 181-201): PEMWEERITA[Trp191Cys]YAEHRGRARD